The following is an entry in ClinVar:

NM_001008212.2(OPTN):c.882+5G>A

Gene: OPTN (optineurin; plus strand). Cytogenetic location: 10p13.
Variant type: single nucleotide variant.
Coding change: c.882+5G>A on transcript NM_001008212.2 (MANE Select); 5 bases into the intron after coding-DNA position 882, G replaced by A.
Molecular consequence: intron variant.
Genome position (GRCh38, 1-based): chr10:13,122,492, G>A. VCF-style: chr10-13122492-G-A. GRCh37 (hg19) VCF-style: chr10-13164492-G-A.
Other names: c.882+5G>A (NM_001008211.1, NM_001008213.1, NM_021980.4).
Identifiers: ClinVar variation 1971872 (VCV001971872.5), dbSNP rs766398912, ClinGen allele CA2580081339.

ClinVar aggregate classification (germline): Uncertain significance (1 of 4 stars; one submission).

Conditions:
Primary open angle glaucoma (POAG). Also called: OPTN-related open angle glaucoma. Identifiers: MedGen C0339573, MONDO:0100553, OMIM 137760.
Amyotrophic lateral sclerosis type 12 (ALS12). Also called: AMYOTROPHIC LATERAL SCLEROSIS 12 WITH OR WITHOUT FRONTOTEMPORAL DEMENTIA. Identifiers: Orphanet 803, MedGen C3150692, MONDO:0013264, OMIM 613435.
Glaucoma 1, open angle, E. Identifiers: MedGen C1842026, MONDO:0007665.

Submission:

Labcorp Genetics (formerly Invitae), Labcorp
Classification: Uncertain significance for Primary open angle glaucoma; Glaucoma 1, open angle, E; Amyotrophic lateral sclerosis type 12. Last evaluated: 2025-07-07. Review status: criteria provided, single submitter. Criteria: Invitae Variant Classification Sherloc (09022015). Collection method: clinical testing. Allele origin: germline.
Comment: This sequence change falls in intron 7 of the OPTN gene. It does not directly change the encoded amino acid sequence of the OPTN protein. It affects a nucleotide within the consensus splice site. This variant is not present in population databases (gnomAD no frequency). This variant has not been reported in the literature in individuals affected with OPTN-related conditions. ClinVar contains an entry for this variant (Variation ID: 1971872). Variants that disrupt the consensus splice site are a relatively common cause of aberrant splicing (PMID: 17576681, 9536098). Algorithms developed to predict the effect of sequence changes on RNA splicing suggest that this variant may disrupt the consensus splice site. In summary, the available evidence is currently insufficient to determine the role of this variant in disease. Therefore, it has been classified as a Variant of Uncertain Significance.

Literature cited by the submitters: PubMed 17576681; PubMed 9536098.